The following is an entry in ClinVar:

NM_001042545.2(LTBP4):c.1969G>A (p.Gly657Ser)

Gene: LTBP4 (latent transforming growth factor beta binding protein 4; plus strand). Cytogenetic location: 19q13.2.
Variant type: single nucleotide variant.
Coding change: c.1969G>A on transcript NM_001042545.2 (MANE Select); coding-DNA position 1969, G replaced by A.
Protein change: p.Gly657Ser; replaces glycine 657 with serine.
Molecular consequence: missense variant.
Genome position (GRCh38, 1-based): chr19:40,611,310, G>A. VCF-style: chr19-40611310-G-A. GRCh37 (hg19) VCF-style: chr19-41117216-G-A.
Other names: c.2170G>A, p.Gly724Ser (NM_001042544.1); c.2059G>A, p.Gly687Ser (NM_003573.2); short protein forms G657S, G687S, G724S.
Identifiers: ClinVar variation 1939363 (VCV001939363.5), dbSNP rs747808808, ClinGen allele CA9448490.
Genomic context (GRCh38, chr19:40,611,310, plus strand): 5'-GGCTCGGCGTGTGAAGAGGATGTGGATGAGTGTGCCCAGGAGCCGCCGCCCTGTGGGCCC[G>A]GCCGCTGTGACAACACGGCAGGCTCCTTTCACTGTGCCTGCCCTGCTGGCTTCCGCTCCC-3'
Protein context (NP_001036010.1, residues 647-667): CAQEPPPCGP[Gly657Ser]RCDNTAGSFH

ClinVar aggregate classification (germline): Uncertain significance (1 of 4 stars; one submission).

Allele frequency attached by ClinVar (database versions not stated): ExAC 0.00004.

Submission:

Labcorp Genetics (formerly Invitae), Labcorp
Classification: Uncertain significance. Last evaluated: 2022-04-26. Review status: criteria provided, single submitter. Criteria: Invitae Variant Classification Sherloc (09022015). Collection method: clinical testing. Allele origin: germline.
Comment: Experimental studies and prediction algorithms are not available or were not evaluated, and the functional significance of this variant is currently unknown. In summary, the available evidence is currently insufficient to determine the role of this variant in disease. Therefore, it has been classified as a Variant of Uncertain Significance. This variant has not been reported in the literature in individuals affected with LTBP4-related conditions. This variant is present in population databases (rs747808808, gnomAD 0.03%). This sequence change replaces glycine, which is neutral and non-polar, with serine, which is neutral and polar, at codon 687 of the LTBP4 protein (p.Gly687Ser).